The following is an entry in ClinVar:

NM_001927.4(DES):c.1288+2T>C

Gene: DES (desmin; plus strand). Cytogenetic location: 2q35.
Variant type: single nucleotide variant.
Coding change: c.1288+2T>C on transcript NM_001927.4 (MANE Select); the canonical splice donor site of the intron after coding-DNA position 1288, T replaced by C.
Molecular consequence: splice donor variant.
Genome position (GRCh38, 1-based): chr2:219,423,822, T>C. VCF-style: chr2-219423822-T-C. GRCh37 (hg19) VCF-style: chr2-220288544-T-C.
Other names: c.1288+2T>C (NM_001927.3, NM_001382712.1); c.1267+2T>C (NM_001382711.1); c.1219+2T>C (NM_001382710.1); c.856+2T>C (NM_001382709.1); c.1285+2T>C (NM_001382708.1); c.1018+2T>C (NM_001382713.1).
Identifiers: ClinVar variation 3763405 (VCV003763405.3).

ClinVar aggregate classification (germline): Conflicting classifications of pathogenicity. Review status: criteria provided, conflicting classifications (1 of 4 stars). 2 submissions from 2 submitters: Likely pathogenic (1); Uncertain significance (1). Last evaluated 2025-12-15.

Conditions:
Desmin-related myofibrillar myopathy (MFM1). Also called: Desminopathy; Desmin related myopathy (former name); Desmin storage myopathy (former name); MYOFIBRILLAR MYOPATHY WITH ARRHYTHMOGENIC RIGHT VENTRICULAR CARDIOMYOPATHY; DESMIN-RELATED MYOPATHY WITH ARRHYTHMOGENIC RIGHT VENTRICULAR CARDIOMYOPATHY; Myofibrillar myopathy 1. Identifiers: Orphanet 363543, Orphanet 98909, MedGen C1832370, MONDO:0011076, OMIM 601419.
Cardiovascular phenotype. Identifiers: MedGen CN230736.

Submissions (2):

Ambry Genetics
Classification: Uncertain significance for Cardiovascular phenotype. Last evaluated: 2025-12-15. Review status: criteria provided, single submitter. Criteria: Ambry Variant Classification Scheme 2023. Collection method: clinical testing. Allele origin: germline.
Comment: The c.1288+2T>C intronic variant results from a T to C substitution two nucleotides after coding exon 7 in the DES gene. This nucleotide position is highly conserved in available vertebrate species. In silico splice site analysis predicts that this alteration will weaken the native splice donor site. Alterations that disrupt the canonical splice site are expected to cause aberrant splicing, resulting in an abnormal protein or a transcript that is subject to nonsense-mediated mRNA decay; however, +2T>C alterations are capable of generating wild-type transcripts in some genomic contexts and should be interpreted with caution (Lin JH et al. Hum Mutat. 2019 10;40:1856-1873). Based on the available evidence, the clinical significance of this alteration remains unclear.

Labcorp Genetics (formerly Invitae), Labcorp
Classification: Likely pathogenic for Desmin-related myofibrillar myopathy. Last evaluated: 2024-02-21. Review status: criteria provided, single submitter. Criteria: Invitae Variant Classification Sherloc (09022015). Collection method: clinical testing. Allele origin: germline.
Comment: This sequence change affects a donor splice site in intron 7 of the DES gene. It is expected to disrupt RNA splicing. Variants that disrupt the donor or acceptor splice site typically lead to a loss of protein function (PMID: 16199547), and loss-of-function variants in DES are known to be pathogenic (PMID: 23575897). This variant is present in population databases (no rsID available, gnomAD 0.01%). This variant has not been reported in the literature in individuals affected with DES-related conditions. Algorithms developed to predict the effect of sequence changes on RNA splicing suggest that this variant may disrupt the consensus splice site. In summary, the currently available evidence indicates that the variant is pathogenic, but additional data are needed to prove that conclusively. Therefore, this variant has been classified as Likely Pathogenic.

Literature cited by the submitters: PubMed 16199547 (cited by Labcorp Genetics (formerly Invitae), Labcorp); PubMed 23575897 (cited by Labcorp Genetics (formerly Invitae), Labcorp).